The following is an entry in ClinVar:

ClinVar aggregate classification (germline): Uncertain significance (1 of 4 stars; one submission).

Allele frequency attached by ClinVar (database versions not stated): gnomAD 0.00001; 1000 Genomes Project 30x 0.00016; 1000 Genomes Project 0.00020; ExAC 0.00002.
gnomAD v4.1: 12 of 1,602,304 alleles (0.00075%); highest among the groups gnomAD compares: East Asian, 0.0045%; no homozygotes.

Submission:

Labcorp Genetics (formerly Invitae), Labcorp
Classification: Uncertain significance. Last evaluated: 2025-03-07. Review status: criteria provided, single submitter. Criteria: Invitae Variant Classification Sherloc (09022015). Collection method: clinical testing. Allele origin: germline.
Comment: This sequence change replaces arginine, which is basic and polar, with glutamine, which is neutral and polar, at codon 663 of the ERBIN protein (p.Arg663Gln). This variant is present in population databases (rs558450913, gnomAD 0.01%). This variant has not been reported in the literature in individuals affected with ERBIN-related conditions. ClinVar contains an entry for this variant (Variation ID: 2962073). An algorithm developed to predict the effect of missense changes on protein structure and function (PolyPhen-2) suggests that this variant is likely to be disruptive. In summary, the available evidence is currently insufficient to determine the role of this variant in disease. Therefore, it has been classified as a Variant of Uncertain Significance.

NM_001253697.2(ERBIN):c.1988G>A (p.Arg663Gln)

Gene: ERBIN (erbb2 interacting protein; plus strand). Cytogenetic location: 5q12.3.
Variant type: single nucleotide variant.
Coding change: c.1988G>A on transcript NM_001253697.2 (MANE Select); coding-DNA position 1988, G replaced by A.
Protein change: p.Arg663Gln; replaces arginine 663 with glutamine.
Molecular consequence: missense variant.
Genome position (GRCh38, 1-based): chr5:66,050,867, G>A. VCF-style: chr5-66050867-G-A. GRCh37 (hg19) VCF-style: chr5-65346695-G-A.
Other names: c.1988G>A, p.Arg663Gln (NM_001006600.3, NM_001253698.2, NM_001253699.2 and 1 more transcripts); c.1976G>A, p.Arg659Gln (NM_001253701.2); short protein forms R663Q, R659Q.
Identifiers: ClinVar variation 2962073 (VCV002962073.3), dbSNP rs558450913, ClinGen allele CA3286397.
Genomic context (GRCh38, chr5:66,050,867, plus strand): 5'-TATCAGATGAAGTTACACACAATAGCAATCAGAATAACAGCAATTGTTCTTCTCCATCTC[G>A]GATGTCTGATTCAGTTTCTCTTAATACTGATAGTAGTCAAGACACCTCACTCTGCTCTCC-3'
Protein context (NP_001240626.1, residues 653-673): QNNSNCSSPS[Arg663Gln]MSDSVSLNTD